The following is an entry in ClinVar:

NM_001447.3(FAT2):c.194C>T (p.Pro65Leu)

Gene: FAT2 (FAT atypical cadherin 2; minus strand). Cytogenetic location: 5q33.1.
Variant type: single nucleotide variant.
Coding change: c.194C>T on transcript NM_001447.3 (MANE Select); coding-DNA position 194, C replaced by T.
Protein change: p.Pro65Leu; replaces proline 65 with leucine.
Molecular consequence: missense variant.
Genome position (GRCh38, 1-based): chr5:151,568,738, G>A on the plus strand (C>T on the coding strand, the complement: FAT2 is on the minus strand). VCF-style: chr5-151568738-G-A. GRCh37 (hg19) VCF-style: chr5-150948299-G-A.
Other names: short protein forms P65L.
Identifiers: ClinVar variation 2854795 (VCV002854795.3), dbSNP rs779251901, ClinGen allele CA3522476.
Genomic context (GRCh38, chr5:151,568,738, plus strand): 5'-TCAGTTTTAAATACATTGGCCACATCCCCAGAGATGATCCGGTACCTCACTGCCCACTGT[G>A]GCTCCGCGAGGTAGATGCCCATTTTCTCGAAGCTCTCCACATAGGTCTTGGGAGAAGAAT-3'
Protein context (NP_001438.1, residues 55-75): FEKMGIYLAE[Pro65Leu]QWAVRYRIIS

ClinVar aggregate classification (germline): Uncertain significance (1 of 4 stars; one submission).

Allele frequency attached by ClinVar (database versions not stated): gnomAD exomes below 0.00001; ExAC 0.00001; gnomAD 0.00001.
gnomAD v4.1: 2 of 1,614,026 alleles (0.00012%); highest among the groups gnomAD compares: Admixed American, 0.0017%; no homozygotes.

Submission:

Labcorp Genetics (formerly Invitae), Labcorp
Classification: Uncertain significance. Last evaluated: 2024-03-04. Review status: criteria provided, single submitter. Criteria: Invitae Variant Classification Sherloc (09022015). Collection method: clinical testing. Allele origin: germline.
Comment: This sequence change replaces proline, which is neutral and non-polar, with leucine, which is neutral and non-polar, at codon 65 of the FAT2 protein (p.Pro65Leu). This variant is present in population databases (rs779251901, gnomAD 0.0009%). This variant has not been reported in the literature in individuals affected with FAT2-related conditions. An algorithm developed to predict the effect of missense changes on protein structure and function (PolyPhen-2) suggests that this variant is likely to be tolerated. In summary, the available evidence is currently insufficient to determine the role of this variant in disease. Therefore, it has been classified as a Variant of Uncertain Significance.